The following is an entry in ClinVar:

NM_000393.5(COL5A2):c.2424G>A (p.Pro808=)

Gene: COL5A2 (collagen type V alpha 2 chain; minus strand). Cytogenetic location: 2q32.2.
Variant type: single nucleotide variant.
Coding change: c.2424G>A on transcript NM_000393.5 (MANE Select); coding-DNA position 2424, G replaced by A.
Protein change: p.Pro808=; no amino-acid change (proline 808 retained).
Molecular consequence: synonymous variant.
Genome position (GRCh38, 1-based): chr2:189,054,180, C>T on the plus strand (G>A on the coding strand, the complement: COL5A2 is on the minus strand). VCF-style: chr2-189054180-C-T. GRCh37 (hg19) VCF-style: chr2-189918906-C-T.
Other names: c.2424G>A (NM_000393.4).
Identifiers: ClinVar variation 459738 (VCV000459738.47), dbSNP rs200019093, ClinGen allele CA2022336.
Genomic context (GRCh38, chr2:189,054,180, plus strand): 5'-CATAATTTTGAGTGTACAAATTAACAACTTGTGACTTACCTTTTCTCCAGTAGGACCTGC[C>T]GGACCTGGAGGGCCCAAAGGACCTGGAAGACCCTGTCAATTAACAGAACATAGGCATATT-3'
Protein context (NP_000384.2, residues 798-818): GLPGPLGPPG[Pro808=]AGPTGEKGEP

ClinVar aggregate classification (germline): Likely benign. Review status: criteria provided, multiple submitters, no conflicts (2 of 4 stars). 5 submissions from 5 submitters: Likely benign (4). 1 of the submissions does not count toward it. Last evaluated 2025-12-16.

Conditions:
Ehlers-Danlos syndrome, classic type, 1 (EDSCL1). Also called: EDS I; Ehlers-Danlos syndrome, type 1; Ehlers-Danlos Syndrome, Classic Type, COL5A1-Related; EHLERS-DANLOS SYNDROME, GRAVIS TYPE; EHLERS-DANLOS SYNDROME, SEVERE CLASSIC TYPE. Identifiers: MedGen C0268335, MONDO:0019567, OMIM 130000.
COL5A2-related disorder. Also called: COL5A2-related condition.
Familial thoracic aortic aneurysm and aortic dissection (TAAD). Also called: Thoracic aortic aneurysms and dissections. Identifiers: Orphanet 91387, MedGen C4707243, MONDO:0019625.

Allele frequency attached by ClinVar (database versions not stated): gnomAD 0.00001 and 0.00003; TOPMed 0.00002; gnomAD exomes 0.00004 and 0.00005; ExAC 0.00005.
gnomAD v4.1: 61 of 1,613,986 alleles (0.0038%); highest among the groups gnomAD compares: East Asian, 0.04%; no homozygotes.

Submissions (5):

Labcorp Genetics (formerly Invitae), Labcorp
Classification: Likely benign for Ehlers-Danlos syndrome, classic type, 1. Last evaluated: 2025-12-16. Review status: criteria provided, single submitter. Criteria: Invitae Variant Classification Sherloc (09022015). Collection method: clinical testing. Allele origin: germline.

CeGaT Center for Human Genetics Tuebingen
Classification: Likely benign. Last evaluated: 2021-09-01. Review status: criteria provided, single submitter. Criteria: CeGaT Center For Human Genetics Tuebingen Variant Classification Criteria Version 2. Collection method: clinical testing. Allele origin: germline. Affected: yes. Observed: 1 variant allele.

Ambry Genetics
Classification: Likely benign for Familial thoracic aortic aneurysm and aortic dissection. Last evaluated: 2020-06-12. Review status: criteria provided, single submitter. Criteria: Ambry Variant Classification Scheme 2023. Collection method: clinical testing. Allele origin: germline.

GeneDx
Classification: Likely benign. Last evaluated: 2018-03-16. Review status: criteria provided, single submitter. Criteria: GeneDx Variant Classification (06012015). Collection method: clinical testing. Allele origin: germline. Affected: yes.
Comment: This variant is considered likely benign or benign based on one or more of the following criteria: it is a conservative change, it occurs at a poorly conserved position in the protein, it is predicted to be benign by multiple in silico algorithms, and/or has population frequency not consistent with disease.

PreventionGenetics, part of Exact Sciences
Classification: Likely benign for COL5A2-related condition. Last evaluated: 2022-05-26. Review status: no assertion criteria provided. Collection method: clinical testing. Allele origin: germline. Not counted in ClinVar's aggregate classification.
Comment: This variant is classified as likely benign based on ACMG/AMP sequence variant interpretation guidelines (Richards et al. 2015 PMID: 25741868, with internal and published modifications).